The following is an entry in ClinVar:

ClinVar aggregate classification (germline): Uncertain significance. Review status: criteria provided, multiple submitters, no conflicts (2 of 4 stars). 2 submissions from 2 submitters: Uncertain significance (2). Last evaluated 2024-10-11.

Conditions:
Hereditary cancer-predisposing syndrome. Also called: Neoplastic Syndromes, Hereditary; Tumor predisposition; Hereditary Cancer Syndrome; Hereditary neoplastic syndrome. Identifiers: Orphanet 140162, MedGen C0027672, MeSH D009386, MONDO:0015356.

Submissions (2):

Ambry Genetics
Classification: Uncertain significance for Hereditary cancer-predisposing syndrome. Last evaluated: 2024-10-11. Review status: criteria provided, single submitter. Criteria: Ambry Variant Classification Scheme 2023. Collection method: clinical testing. Allele origin: germline.
Comment: The p.S627R variant (also known as c.1881C>A), located in coding exon 13 of the MSH3 gene, results from a C to A substitution at nucleotide position 1881. The serine at codon 627 is replaced by arginine, an amino acid with dissimilar properties. This amino acid position is conserved. In addition, this alteration is predicted to be deleterious by in silico analysis. Since supporting evidence is limited at this time, the clinical significance of this alteration remains unclear.

Labcorp Genetics (formerly Invitae), Labcorp
Classification: Uncertain significance. Last evaluated: 2023-08-24. Review status: criteria provided, single submitter. Criteria: Invitae Variant Classification Sherloc (09022015). Collection method: clinical testing. Allele origin: germline.
Comment: In summary, the available evidence is currently insufficient to determine the role of this variant in disease. Therefore, it has been classified as a Variant of Uncertain Significance. An algorithm developed to predict the effect of missense changes on protein structure and function (PolyPhen-2) suggests that this variant is likely to be disruptive. ClinVar contains an entry for this variant (Variation ID: 1781894). This variant has not been reported in the literature in individuals affected with MSH3-related conditions. This variant is not present in population databases (gnomAD no frequency). This sequence change replaces serine, which is neutral and polar, with arginine, which is basic and polar, at codon 627 of the MSH3 protein (p.Ser627Arg).

NM_002439.5(MSH3):c.1881C>A (p.Ser627Arg)

Gene: MSH3 (mutS homolog 3; plus strand). Cytogenetic location: 5q14.1.
Variant type: single nucleotide variant.
Coding change: c.1881C>A on transcript NM_002439.5 (MANE Select); coding-DNA position 1881, C replaced by A.
Protein change: p.Ser627Arg; replaces serine 627 with arginine.
Molecular consequence: missense variant.
Genome position (GRCh38, 1-based): chr5:80,761,663, C>A. VCF-style: chr5-80761663-C-A. GRCh37 (hg19) VCF-style: chr5-80057482-C-A.
Other names: short protein forms S627R.
Identifiers: ClinVar variation 1781894 (VCV001781894.6), dbSNP rs749412087, ClinGen allele CA360276712.